The following is an entry in ClinVar:

NM_183357.3(ADCY5):c.1376A>G (p.Lys459Arg)

Gene: ADCY5 (adenylate cyclase 5; minus strand). Cytogenetic location: 3q21.1.
Variant type: single nucleotide variant.
Coding change: c.1376A>G on transcript NM_183357.3 (MANE Select); coding-DNA position 1376, A replaced by G.
Protein change: p.Lys459Arg; replaces lysine 459 with arginine.
Molecular consequence: missense variant.
Genome position (GRCh38, 1-based): chr3:123,347,812, T>C on the plus strand (A>G on the coding strand, the complement: ADCY5 is on the minus strand). VCF-style: chr3-123347812-T-C. GRCh37 (hg19) VCF-style: chr3-123066659-T-C.
Other names: c.326A>G, p.Lys109Arg (NM_001199642.1); c.1376A>G, p.Lys459Arg (NM_001378259.1); short protein forms K459R, K109R.
Identifiers: ClinVar variation 426371 (VCV000426371.2), dbSNP rs1085307592, ClinGen allele CA354221686.
Genomic context (GRCh38, chr3:123,347,812, plus strand): 5'-TCCATCCTCCTCCCCCAGCTTCACCCCTACCTCACGTTGTCATGTTTCTGGATGTAAATC[T>C]TATGGAACATCATATCCTCCTGCTTGGCGTTGATGTCTGCTTTCATCTCCATGGCAACAT-3'
Protein context (NP_899200.1, residues 449-469): NAKQEDMMFH[Lys459Arg]IYIQKHDNVS

ClinVar aggregate classification (germline): Uncertain significance (1 of 4 stars; one submission).

Allele frequency attached by ClinVar (database versions not stated): gnomAD exomes below 0.00001.
gnomAD v4.1: 5 of 1,614,114 alleles (0.00031%); highest among the groups gnomAD compares: Non-Finnish European, 0.00042%; no homozygotes.

Submission:

GeneDx
Classification: Uncertain significance. Last evaluated: 2017-04-19. Review status: criteria provided, single submitter. Criteria: GeneDx Variant Classification (06012015). Collection method: clinical testing. Allele origin: germline. Affected: yes.
Comment: The K459R variant in the ADCY5 gene has not been reported previously as a pathogenic variant, nor as a benign variant, to our knowledge. The K459R variant is not observed in large population cohorts (Lek et al., 2016; 1000 Genomes Consortium et al., 2015; Exome Variant Server). The K459R variant is a conservative amino acid substitution, which is not likely to impact secondary protein structure as these residues share similar properties. This substitution occurs at a position that is conserved across species. In silico analysis predicts this variant is probably damaging to the protein structure/function. We interpret K459R as a variant of uncertain significance.